The following is an entry in ClinVar:

NM_001005361.3(DNM2):c.1565G>T (p.Arg522Leu)

Gene: DNM2 (dynamin 2; plus strand). Cytogenetic location: 19p13.2.
Variant type: single nucleotide variant.
Coding change: c.1565G>T on transcript NM_001005361.3 (MANE Select); coding-DNA position 1565, G replaced by T.
Protein change: p.Arg522Leu; replaces arginine 522 with leucine.
Molecular consequence: missense variant.
Genome position (GRCh38, 1-based): chr19:10,812,271, G>T. VCF-style: chr19-10812271-G-T. GRCh37 (hg19) VCF-style: chr19-10922947-G-T.
Other names: c.1565G>T, p.Arg522Leu (NM_001005360.3, NM_001190716.2); c.1553G>T, p.Arg518Leu (NM_001005362.3, NM_004945.4); short protein forms R522L, R518L.
Identifiers: ClinVar variation 373110 (VCV000373110.1), dbSNP rs587783595, ClinGen allele CA16043072.

ClinVar aggregate classification (germline): Likely pathogenic (1 of 4 stars; one submission).

Allele frequency attached by ClinVar (database versions not stated): gnomAD exomes below 0.00001.
gnomAD v4.1: 2 of 1,599,850 alleles (0.00013%); highest among the groups gnomAD compares: Non-Finnish European, 0.00017%; no homozygotes.

Submission:

GeneDx
Classification: Likely pathogenic. Last evaluated: 2016-11-24. Review status: criteria provided, single submitter. Criteria: GeneDx Variant Classification (06012015). Collection method: clinical testing. Allele origin: germline. Affected: yes.
Comment: The R522L variant in the DNM2 gene has not been reported previously as a pathogenic variant, nor as a benign variant, to our knowledge. The R522L variant was not observed in approximately 6500 individuals of European and African American ancestry in the NHLBI Exome Sequencing Project, indicating it is not a common benign variant in these populations. The R522L variant is a non-conservative amino acid substitution, which is likely to impact secondary protein structure as these residues differ in polarity, charge, size and/or other properties. This substitution occurs at a position that is conserved across species. In silico analysis predicts this variant is probably damaging to the protein structure/function. Missense variants at the same residue (R522C and R522H) and in a nearby residue (R523G) have been reported in the Human Gene Mutation Database in association with centronuclear myopathy (Stenson et al., 2014), supporting the functional importance of this region of the protein. The R522L variant is a strong candidate for a pathogenic variant, however the possibility it may be a rare benign variant cannot be excluded.